The following is an entry in ClinVar:

NM_000057.4(BLM):c.3566_3567del (p.Phe1189fs)

Gene: BLM (BLM RecQ like helicase; plus strand). Cytogenetic location: 15q26.1.
Variant type: Deletion.
Coding change: c.3566_3567del on transcript NM_000057.4 (MANE Select); coding-DNA positions 3566 to 3567, 2 bases deleted (TT; older notation c.3566_3567delTT).
Protein change: p.Phe1189fs; shifts the reading frame from phenylalanine 1189.
Molecular consequence: frameshift variant. On other transcripts: intron variant (1).
Genome position (GRCh38, 1-based): chr15:90,804,174-90,804,175, TT deleted; deleting any 2 consecutive bases within chr15:90,804,173-90,804,175 gives the same sequence; the c. name uses the placement nearest the transcript's 3' end. VCF-style (leftmost placement, unchanged base first): chr15-90804172-CTT-C. GRCh37 (hg19) VCF-style: chr15-91347402-CTT-C.
Other names: c.3566_3567del (LRG_20t1); c.3566_3567del, p.Phe1189fs (NM_001287246.2); c.2441_2442del, p.Phe814fs (NM_001287248.2); c.3359-4963_3359-4962del (NM_001287247.2); short protein forms F1189fs, F814fs.
Identifiers: ClinVar variation 556262 (VCV000556262.5), dbSNP rs1555424372, ClinGen allele CA658824105.

ClinVar aggregate classification (germline): Pathogenic. Review status: criteria provided, single submitter (1 of 4 stars). 2 submissions from 2 submitters: Pathogenic (1). 1 of the submissions does not count toward it. Last evaluated 2023-04-06.

Conditions:
Bloom syndrome (BLM). Also called: Bloom-Torre-Machacek syndrome. Identifiers: Orphanet 125, MedGen C0005859, MONDO:0008876, OMIM 210900.

Submissions (2):

Labcorp Genetics (formerly Invitae), Labcorp
Classification: Pathogenic for Bloom syndrome. Last evaluated: 2023-04-06. Review status: criteria provided, single submitter. Criteria: Invitae Variant Classification Sherloc (09022015). Collection method: clinical testing. Allele origin: germline.
Comment: For these reasons, this variant has been classified as Pathogenic. ClinVar contains an entry for this variant (Variation ID: 556262). This sequence change creates a premature translational stop signal (p.Phe1189Tyrfs*27) in the BLM gene. It is expected to result in an absent or disrupted protein product. Loss-of-function variants in BLM are known to be pathogenic (PMID: 17407155). This variant is not present in population databases (gnomAD no frequency). This variant has not been reported in the literature in individuals affected with BLM-related conditions.

Counsyl
Classification: Likely pathogenic for Bloom syndrome. Last evaluated: 2018-01-23. Review status: no assertion criteria provided. Collection method: clinical testing. Allele origin: unknown. Not counted in ClinVar's aggregate classification.

Literature cited by the submitters: PubMed 17407155 (cited by Labcorp Genetics (formerly Invitae), Labcorp).